The following is an entry in ClinVar:

ClinVar aggregate classification (germline): Uncertain significance (0 of 4 stars; one submission).

Conditions:
BBS10-related disorder. Also called: BBS10-related condition.

Submission:

PreventionGenetics, part of Exact Sciences
Classification: Uncertain significance for BBS10-related condition. Last evaluated: 2024-01-04. Review status: no assertion criteria provided. Collection method: clinical testing. Allele origin: germline.
Comment: The BBS10 c.1464A>T variant is predicted to result in the amino acid substitution p.Lys488Asn. To our knowledge, this variant has not been reported in the literature or in a large population database, indicating this variant is rare. A different missense change affecting this amino acid has been reported in a patient Bardet-Biedl syndrome (c.1463A>G p.Lys488Arg; Guardiola et al. 2021. PubMed ID: 34526762). At this time, the clinical significance of the c.1464A>T variant is uncertain due to the absence of conclusive functional and genetic evidence.

NM_024685.4(BBS10):c.1464A>T (p.Lys488Asn)

Gene: BBS10 (Bardet-Biedl syndrome 10; minus strand). Cytogenetic location: 12q21.2.
Variant type: single nucleotide variant.
Coding change: c.1464A>T on transcript NM_024685.4 (MANE Select); coding-DNA position 1464, A replaced by T.
Protein change: p.Lys488Asn; replaces lysine 488 with asparagine.
Molecular consequence: missense variant.
Genome position (GRCh38, 1-based): chr12:76,346,521, T>A on the plus strand (A>T on the coding strand, the complement: BBS10 is on the minus strand). VCF-style: chr12-76346521-T-A. GRCh37 (hg19) VCF-style: chr12-76740301-T-A.
Other names: short protein forms K488N.
Identifiers: ClinVar variation 3348512 (VCV003348512.1).
Genomic context (GRCh38, chr12:76,346,521, plus strand): 5'-GGTTGAATACGGAATATATGTTTCTAATTCTACATCTGGAATTACCAAATTAGAATGTAC[T>A]TTTAAATATGTTTGAGTTTTTTCCAATGCATCTTTGTTCTCTGCAACTGTGTCCTGATAA-3'
Protein context (NP_078961.3, residues 478-498): DALEKTQTYL[Lys488Asn]VHSNLVIPDV